The following is an entry in ClinVar:

ClinVar aggregate classification (germline): Uncertain significance (1 of 4 stars; one submission).

Submission:

GeneDx
Classification: Uncertain significance. Last evaluated: 2026-04-24. Review status: criteria provided, single submitter. Criteria: GeneDx Variant Classification Process June 2021. Collection method: clinical testing. Allele origin: germline.
Comment: Not observed at significant frequency in large population cohorts (gnomAD); In silico analysis suggests that this missense variant does not alter protein structure/function; Has not been previously published as pathogenic or benign to our knowledge

NM_006922.4(SCN3A):c.5506G>T (p.Ala1836Ser)

Gene: SCN3A (sodium voltage-gated channel alpha subunit 3; minus strand). Cytogenetic location: 2q24.3.
Variant type: single nucleotide variant.
Coding change: c.5506G>T on transcript NM_006922.4 (MANE Select); coding-DNA position 5506, G replaced by T.
Protein change: p.Ala1836Ser; replaces alanine 1836 with serine.
Molecular consequence: missense variant.
Genome position (GRCh38, 1-based): chr2:165,090,647, C>A on the plus strand (G>T on the coding strand, the complement: SCN3A is on the minus strand). VCF-style: chr2-165090647-C-A. GRCh37 (hg19) VCF-style: chr2-165947157-C-A.
Other names: c.5359G>T, p.Ala1787Ser (NM_001081676.2, NM_001081677.2); short protein forms A1787S, A1836S.
Identifiers: ClinVar variation 5037274 (VCV005037274.1).